The following is an entry in ClinVar:

ClinVar aggregate classification (germline): Pathogenic/Likely pathogenic. Review status: criteria provided, multiple submitters, no conflicts (2 of 4 stars). 2 submissions from 2 submitters: Pathogenic (1); Likely pathogenic (1). Last evaluated 2025-08-25.

Conditions:
Hereditary insensitivity to pain with anhidrosis (CIPA). Also called: INSENSITIVITY TO PAIN, CONGENITAL, WITH ANHIDROSIS; FAMILIAL DYSAUTONOMIA, TYPE II; NEUROPATHY, CONGENITAL SENSORY, WITH ANHIDROSIS; HSAN Type IV; hereditary sensory and autonomic neuropathy type 4; NTRK1 Congenital Insensitivity to Pain with Anhidrosis. Identifiers: Orphanet 642, MedGen C0020074, MONDO:0009746, OMIM 256800.

Submissions (2):

Natera, Inc.
Classification: Likely pathogenic for Hereditary insensitivity to pain with anhidrosis. Last evaluated: 2025-08-25. Review status: criteria provided, single submitter. Criteria: Natera Variant Classification Schema (03/2026). Collection method: clinical testing. Allele origin: germline.
Comment: The c.1711_1712dup variant in NTRK1 is a frameshift variant predicted to shift the reading frame beginning at codon 572 and leads to a stop codon 81 codons downstream. This variant is expected to result in nonsense mediated decay, truncation, or a dysfunctional protein product. This variant is rare in the general population with a frequency below the threshold expected for the associated phenotype(s). Given the available evidence, this variant is classified as Likely Pathogenic.

Genetics and Genomic Medicine Centre, NeuroGen Healthcare, NeuroGen Healthcare
Classification: Pathogenic for Hereditary insensitivity to pain with anhidrosis. Last evaluated: 2025-01-17. Review status: criteria provided, single submitter. Criteria: ACMG Guidelines, 2015. Collection method: clinical testing. Allele origin: unknown. Affected: yes.

NM_002529.4(NTRK1):c.1729_1730dup (p.Val578fs)

Gene: NTRK1 (neurotrophic receptor tyrosine kinase 1; plus strand). Cytogenetic location: 1q23.1.
Variant type: Duplication.
Coding change: c.1729_1730dup on transcript NM_002529.4 (MANE Select); coding-DNA positions 1729 to 1730, 2 bases duplicated (GG; older notation c.1729_1730dupGG).
Protein change: p.Val578fs; shifts the reading frame from valine 578.
Molecular consequence: frameshift variant.
Genome position (GRCh38, 1-based): chr1:156,876,496-156,876,497, GG duplicated. VCF-style (leftmost placement, unchanged base first): chr1-156876495-C-CGG. GRCh37 (hg19) VCF-style: chr1-156846287-C-CGG.
Other names: c.1728_1729insGG (NM_002529.4); c.1621_1622dup, p.Val542fs (NM_001007792.1); c.1711_1712dup, p.Val572fs (NM_001012331.2); short protein forms V542fs, V572fs, V578fs.
Identifiers: ClinVar variation 4814509 (VCV004814509.2).